The following is an entry in ClinVar:

ClinVar aggregate classification (germline): Uncertain significance. Review status: criteria provided, multiple submitters, no conflicts (2 of 4 stars). 2 submissions from 2 submitters: Uncertain significance (2). Last evaluated 2024-07-02.

Conditions:
MHC class I deficiency. Identifiers: Orphanet 34592, MedGen C6024714, MONDO:0011476.
Inborn genetic diseases. Identifiers: MedGen C0950123, MeSH D030342.

gnomAD v4.1: 11 of 1,601,334 alleles (0.00069%); highest among the groups gnomAD compares: East Asian, 0.018%; no homozygotes.

Submissions (2):

Labcorp Genetics (formerly Invitae), Labcorp
Classification: Uncertain significance for MHC class I deficiency 1. Last evaluated: 2024-07-02. Review status: criteria provided, single submitter. Criteria: Invitae Variant Classification Sherloc (09022015). Collection method: clinical testing. Allele origin: germline.
Comment: This sequence change replaces cysteine, which is neutral and slightly polar, with tryptophan, which is neutral and slightly polar, at codon 641 of the TAP2 protein (p.Cys641Trp). This variant is present in population databases (rs369632751, gnomAD 0.05%). This variant has not been reported in the literature in individuals affected with TAP2-related conditions. ClinVar contains an entry for this variant (Variation ID: 2159535). Experimental studies and prediction algorithms are not available or were not evaluated, and the functional significance of this variant is currently unknown. In summary, the available evidence is currently insufficient to determine the role of this variant in disease. Therefore, it has been classified as a Variant of Uncertain Significance.

Ambry Genetics
Classification: Uncertain significance for Inborn genetic diseases. Last evaluated: 2023-08-22. Review status: criteria provided, single submitter. Criteria: Ambry Variant Classification Scheme 2023. Collection method: clinical testing. Allele origin: germline.

NM_001290043.2(TAP2):c.1923C>G (p.Cys641Trp)

Gene: TAP2 (transporter 2, ATP binding cassette subfamily B member; minus strand). Cytogenetic location: 6p21.32.
Variant type: single nucleotide variant.
Coding change: c.1923C>G on transcript NM_001290043.2 (MANE Select); coding-DNA position 1923, C replaced by G.
Protein change: p.Cys641Trp; replaces cysteine 641 with tryptophan.
Molecular consequence: missense variant.
Genome position (GRCh38, 1-based): chr6:32,829,409, G>C on the plus strand (C>G on the coding strand, the complement: TAP2 is on the minus strand). VCF-style: chr6-32829409-G-C. GRCh37 (hg19) VCF-style: chr6-32797186-G-C.
Other names: c.1923C>G, p.Cys641Trp (NM_000544.3, NM_018833.3); short protein forms C641W.
Identifiers: ClinVar variation 2159535 (VCV002159535.5), dbSNP rs369632751, ClinGen allele CA3745765.